The following is an entry in ClinVar:

NM_016464.5(TMEM138):c.380C>T (p.Ala127Val)

Gene: TMEM138 (transmembrane protein 138; plus strand). Cytogenetic location: 11q12.2.
Variant type: single nucleotide variant.
Coding change: c.380C>T on transcript NM_016464.5 (MANE Select); coding-DNA position 380, C replaced by T.
Protein change: p.Ala127Val; replaces alanine 127 with valine.
Molecular consequence: missense variant. On other transcripts: non-coding transcript variant (1).
Genome position (GRCh38, 1-based): chr11:61,368,600, C>T. VCF-style: chr11-61368600-C-T. GRCh37 (hg19) VCF-style: chr11-61136072-C-T.
Other names: c.206C>T, p.Ala69Val (NM_001330281.2); short protein forms A127V, A69V.
Identifiers: ClinVar variation 31189 (VCV000031189.2), dbSNP rs387907133, ClinGen allele CA260010.

ClinVar aggregate classification (germline): Pathogenic/Likely pathogenic. Review status: criteria provided, multiple submitters, no conflicts (2 of 4 stars). 3 submissions from 3 submitters: Pathogenic (1); Likely pathogenic (1). 1 of the submissions does not count toward it. Last evaluated 2024-10-04.

Conditions:
Joubert syndrome 16 (JBTS16). Identifiers: Orphanet 2318, MedGen C3280906, MONDO:0013764, OMIM 614465.

Allele frequency attached by ClinVar (database versions not stated): gnomAD exomes below 0.00001; ExAC 0.00001.
gnomAD v4.1: 3 of 1,610,250 alleles (0.00019%); highest among the groups gnomAD compares: Middle Eastern, 0.033%; no homozygotes.

Submissions (3):

Dubai Health Genomic Medicine Center, Dubai Health
Classification: Likely pathogenic for Joubert syndrome 16. Last evaluated: 2024-10-04. Review status: criteria provided, single submitter. Criteria: ACMG Guidelines, 2015. Collection method: research. Allele origin: germline. Affected: yes.
Comment: PM3,PM2,PP3,PP1

UW Hindbrain Malformation Research Program, University of Washington
Classification: Pathogenic for Joubert syndrome 16. Last evaluated: 2015-02-23. Review status: criteria provided, single submitter. Criteria: Bachmann-Gagescu et al. (J Med Genet. 2015). Collection method: research. Allele origin: unknown. Affected: yes.

OMIM
Classification: Pathogenic for JOUBERT SYNDROME 16. Last evaluated: 2012-02-24. Review status: no assertion criteria provided. Collection method: literature only. Allele origin: germline. Not counted in ClinVar's aggregate classification.

Literature cited by the submitters: PubMed 22282472 (cited by OMIM).